The following is an entry in ClinVar:

NM_001267550.2(TTN):c.20027C>A (p.Ser6676Tyr)

Genes: TTN (titin; minus strand), LOC126806429 (BRD4-independent group 4 enhancer GRCh37_chr2:179591393-179592592; plus strand). Cytogenetic location: 2q31.2.
Variant type: single nucleotide variant.
Coding change: c.20027C>A on transcript NM_001267550.2 (MANE Select); coding-DNA position 20027, C replaced by A.
Protein change: p.Ser6676Tyr; replaces serine 6676 with tyrosine.
Molecular consequence: missense variant. On other transcripts: intron variant (3).
Genome position (GRCh38, 1-based): chr2:178,727,338, G>T on the plus strand (C>A on the coding strand, the complement: TTN is on the minus strand). VCF-style: chr2-178727338-G-T. GRCh37 (hg19) VCF-style: chr2-179592065-G-T.
Other names: c.19076C>A, p.Ser6359Tyr (NM_001256850.1); c.16295C>A, p.Ser5432Tyr (NM_133378.4); c.13282+10744C>A (NM_003319.4); c.13858+10744C>A (NM_133437.4); c.13657+10744C>A (NM_133432.3); short protein forms S6359Y, S6676Y, S5432Y.
Identifiers: ClinVar variation 450305 (VCV000450305.27), dbSNP rs746565627, ClinGen allele CA349549390.

ClinVar aggregate classification (germline): Uncertain significance. Review status: criteria provided, multiple submitters, no conflicts (2 of 4 stars). 2 submissions from 2 submitters: Uncertain significance (2). Last evaluated 2023-08-01.

gnomAD v4.1: 4 of 1,606,846 alleles (0.00025%); highest among the groups gnomAD compares: Non-Finnish European, 0.00034%; no homozygotes.

Submissions (2):

CeGaT Center for Human Genetics Tuebingen
Classification: Uncertain significance. Last evaluated: 2023-08-01. Review status: criteria provided, single submitter. Criteria: CeGaT Center For Human Genetics Tuebingen Variant Classification Criteria Version 2. Collection method: clinical testing. Allele origin: germline. Affected: yes. Observed: 1 variant allele.
Comment: TTN: PM2, BP4

GeneDx
Classification: Uncertain significance. Last evaluated: 2017-06-27. Review status: criteria provided, single submitter. Criteria: GeneDx Variant Classification (06012015). Collection method: clinical testing. Allele origin: germline. Affected: yes.
Comment: The S5432Y variant has not been published as a pathogenic variant, nor has it been reported as a benign variant to our knowledge. The S5432Y variant is not observed in large population cohorts (Lek et al., 2016; 1000 Genomes Consortium et al., 2015; Exome Variant Server). This variant is a semi-conservative amino acid substitution, which may impact secondary protein structure as these residues differ in some properties. However, this substitution occurs at a position that is not conserved and the majority of pathogenic variants in the TTN gene are loss of function and result from truncating variants. Additionally, the S5432Y variant is not located in the A-band nor the M-line region of titin, where the majority of pathogenic truncating variants have been reported. In silico analysis is inconsistent in its predictions as to whether or not the variant is damaging to the protein structure/function.